The following is an entry in ClinVar:

NM_005337.5(NCKAP1L):c.2599C>G (p.Leu867Val)

Gene: NCKAP1L (NCK associated protein 1 like; plus strand). Cytogenetic location: 12q13.2.
Variant type: single nucleotide variant.
Coding change: c.2599C>G on transcript NM_005337.5 (MANE Select); coding-DNA position 2599, C replaced by G.
Protein change: p.Leu867Val; replaces leucine 867 with valine.
Molecular consequence: missense variant.
Genome position (GRCh38, 1-based): chr12:54,531,352, C>G. VCF-style: chr12-54531352-C-G. GRCh37 (hg19) VCF-style: chr12-54925136-C-G.
Other names: c.2449C>G, p.Leu817Val (NM_001184976.2); short protein forms L867V, L817V.
Identifiers: ClinVar variation 2164906 (VCV002164906.1), dbSNP rs144689871, ClinGen allele CA6609476.

ClinVar aggregate classification (germline): Uncertain significance (1 of 4 stars; one submission).

Allele frequency attached by ClinVar (database versions not stated): ExAC 0.00009; gnomAD 0.00009; gnomAD exomes 0.00010; TOPMed 0.00014; ESP Exome Variant Server 0.00031.
gnomAD v4.1: 158 of 1,613,762 alleles (0.0098%); highest among the groups gnomAD compares: Non-Finnish European, 0.013%; no homozygotes.

Submission:

Labcorp Genetics (formerly Invitae), Labcorp
Classification: Uncertain significance. Last evaluated: 2022-07-24. Review status: criteria provided, single submitter. Criteria: Invitae Variant Classification Sherloc (09022015). Collection method: clinical testing. Allele origin: germline.
Comment: This sequence change replaces leucine, which is neutral and non-polar, with valine, which is neutral and non-polar, at codon 867 of the NCKAP1L protein (p.Leu867Val). This variant is present in population databases (rs144689871, gnomAD 0.02%). This variant has not been reported in the literature in individuals affected with NCKAP1L-related conditions. Algorithms developed to predict the effect of missense changes on protein structure and function are either unavailable or do not agree on the potential impact of this missense change (SIFT: "Deleterious"; PolyPhen-2: "Possibly Damaging"; Align-GVGD: "Class C0"). Algorithms developed to predict the effect of sequence changes on RNA splicing suggest that this variant may create or strengthen a splice site. In summary, the available evidence is currently insufficient to determine the role of this variant in disease. Therefore, it has been classified as a Variant of Uncertain Significance.